The following is an entry in ClinVar:

NM_133497.4(KCNV2):c.1157G>A (p.Arg386His)

Gene: KCNV2 (potassium voltage-gated channel modifier subfamily V member 2; plus strand). Cytogenetic location: 9p24.2.
Variant type: single nucleotide variant.
Coding change: c.1157G>A on transcript NM_133497.4 (MANE Select); coding-DNA position 1157, G replaced by A.
Protein change: p.Arg386His; replaces arginine 386 with histidine.
Molecular consequence: missense variant.
Genome position (GRCh38, 1-based): chr9:2,718,896, G>A. VCF-style: chr9-2718896-G-A. GRCh37 (hg19) VCF-style: chr9-2718896-G-A.
Other names: short protein forms R386H.
Identifiers: ClinVar variation 3113540 (VCV003113540.2), dbSNP rs776176542, ClinGen allele CA4965796.

ClinVar aggregate classification (germline): Uncertain significance. Review status: criteria provided, single submitter (1 of 4 stars). 2 submissions from 2 submitters: Uncertain significance (1). 1 of the submissions does not count toward it. Last evaluated 2023-09-29.

Conditions:
Inborn genetic diseases. Identifiers: MedGen C0950123, MeSH D030342.
KCNV2-related disorder. Also called: KCNV2-related condition.

Allele frequency attached by ClinVar (database versions not stated): ExAC 0.00001; gnomAD exomes 0.00002; gnomAD 0.00003.
gnomAD v4.1: 27 of 1,608,678 alleles (0.0017%); highest among the groups gnomAD compares: Admixed American, 0.0033%; no homozygotes.

Submissions (2):

Ambry Genetics
Classification: Uncertain significance for Inborn genetic diseases. Last evaluated: 2023-09-29. Review status: criteria provided, single submitter. Criteria: Ambry Variant Classification Scheme 2023. Collection method: clinical testing. Allele origin: germline.

PreventionGenetics, part of Exact Sciences
Classification: Uncertain significance for KCNV2-related condition. Last evaluated: 2024-09-18. Review status: no assertion criteria provided. Collection method: clinical testing. Allele origin: germline. Not counted in ClinVar's aggregate classification.
Comment: The KCNV2 c.1157G>A variant is predicted to result in the amino acid substitution p.Arg386His. To our knowledge, this variant has not been reported in the literature. This variant is reported in 0.0028% of alleles in individuals of Latino descent in gnomAD. At this time, the clinical significance of this variant is uncertain due to the absence of conclusive functional and genetic evidence.